The following is an entry in ClinVar:

ClinVar aggregate classification (germline): Uncertain significance (1 of 4 stars; one submission).

Submission:

Labcorp Genetics (formerly Invitae), Labcorp
Classification: Uncertain significance. Last evaluated: 2022-12-05. Review status: criteria provided, single submitter. Criteria: Invitae Variant Classification Sherloc (09022015). Collection method: clinical testing. Allele origin: germline.
Comment: This sequence change creates a premature translational stop signal (p.Leu182Argfs*39) in the INTU gene. It is expected to result in an absent or disrupted protein product. However, the current clinical and genetic evidence is not sufficient to establish whether loss-of-function variants in INTU cause disease. This variant is not present in population databases (gnomAD no frequency). This variant has not been reported in the literature in individuals affected with INTU-related conditions. In summary, the available evidence is currently insufficient to determine the role of this variant in disease. Therefore, it has been classified as a Variant of Uncertain Significance.

NM_015693.4(INTU):c.545del (p.Leu182fs)

Gene: INTU (inturned planar cell polarity protein; plus strand). Cytogenetic location: 4q28.1.
Variant type: Deletion.
Coding change: c.545del on transcript NM_015693.4 (MANE Select); coding-DNA position 545, one base deleted (T; older notation c.545delT).
Protein change: p.Leu182fs; shifts the reading frame from leucine 182.
Molecular consequence: frameshift variant.
Genome position (GRCh38, 1-based): chr4:127,643,919, T deleted. VCF-style (leftmost placement, unchanged base first): chr4-127643918-CT-C. GRCh37 (hg19) VCF-style: chr4-128565073-CT-C.
Other names: short protein forms L182fs.
Identifiers: ClinVar variation 2818603 (VCV002818603.3), dbSNP rs2530892844, ClinGen allele CA2739270277.